The following is an entry in ClinVar:

ClinVar aggregate classification (germline): Uncertain significance (1 of 4 stars; one submission).

Conditions:
Spondylometaphyseal dysplasia - Sutcliffe type. Also called: Spondylometaphyseal Dysplasia, Corner Fracture Type; Sutcliffe type of spondylometaphyseal dysplasia; Sutcliffe SMD; Spondylometaphyseal dysplasia, 'corner fracture' type. Identifiers: Orphanet 93315, MedGen C0432221, MONDO:0008479, OMIM 184255.

Submission:

Victorian Clinical Genetics Services, Murdoch Childrens Research Institute
Classification: Uncertain significance for Spondylometaphyseal dysplasia - Sutcliffe type. Last evaluated: 2021-05-06. Review status: criteria provided, single submitter. Criteria: ACMG Guidelines, 2015. Collection method: clinical testing. Allele origin: germline. Inheritance: Autosomal dominant inheritance. Affected: yes.
Comment: Based on the classification scheme VCGS_Germline_v1.3.4, this variant is classified as VUS-3B. Following criteria are met: 0105 - The mechanism of disease for this gene is not clearly established. However, loss-of-function has been suggested based on mutant proteins not being secreted and their intra-cellular accumulation (PMID: 29100092). (I) 0107 - This gene is associated with autosomal dominant disease. (I) 0115 - Variants in this gene are known to have variable expressivity. Intra-familial phenotypic variability has been described (PMID: 29100092). (I) 0200 - Variant is predicted to result in a missense amino acid change from aspartic acid to asparagine. (I) 0251 - This variant is heterozygous. (I) 0301 - Variant is absent from gnomAD (both v2 and v3). (SP) 0502 - Missense variant with conflicting in silico predictions and uninformative conservation. (I) 0600 - Variant is located in the annotated fibronectin type III-3 domain (Uniprot, NCBI) (I) 0705 - No comparable missense variants have previous evidence for pathogenicity. (I) 0807 - This variant has no previous evidence of pathogenicity. (I) 0905 - No published segregation evidence has been identified for this variant. (I) 1007 - No published functional evidence has been identified for this variant. (I) Legend: (SP) - Supporting pathogenic, (I) - Information, (SB) - Supporting benign

Literature cited by the submitters: PubMed 29100092.

NM_212482.4(FN1):c.2605G>A (p.Asp869Asn)

Gene: FN1 (fibronectin 1; minus strand). Cytogenetic location: 2q35.
Variant type: single nucleotide variant.
Coding change: c.2605G>A on transcript NM_212482.4 (MANE Select); coding-DNA position 2605, G replaced by A.
Protein change: p.Asp869Asn; replaces aspartic acid 869 with asparagine.
Molecular consequence: missense variant.
Genome position (GRCh38, 1-based): chr2:215,407,235, C>T on the plus strand (G>A on the coding strand, the complement: FN1 is on the minus strand). VCF-style: chr2-215407235-C-T. GRCh37 (hg19) VCF-style: chr2-216271958-C-T.
Other names: c.2605G>A, p.Asp869Asn (NM_001306129.2, NM_001306130.2, NM_001306131.2 and 13 more transcripts); short protein forms D869N.
Identifiers: ClinVar variation 1805038 (VCV001805038.1), dbSNP rs2470054600, ClinGen allele CA350490493.